The following is an entry in ClinVar:

GRCh37/hg19 20q11.23(chr20:35177459-35178246)x1

Gene: MYL9 (myosin light chain 9; plus strand). Cytogenetic location: 20q11.23.
Variant type: copy number loss.
Change: copy number 1 (one copy instead of two) of chr20:35,177,459-35,178,246 (0.8 kb, GRCh37 coordinates, 1-based), cytogenetic band 20q11.23.
Other names: NM_006097.4:Deletionofexon4.
Identifiers: ClinVar variation 818205 (VCV000818205.2).

ClinVar aggregate classification (germline): Uncertain significance (1 of 4 stars; one submission).

Conditions:
Visceral myopathy 1 (VSCM1). Also called: ACTG2 Visceral Myopathy; Visceral myopathy; Infantile visceral myopathy. Identifiers: Orphanet 2604, MedGen C5542197, MONDO:0020754, OMIM 155310.

Submission:

Fulgent Genetics
Classification: Uncertain significance for Megacystis, microcolon, hypoperistalsis syndrome. Last evaluated: 2020-02-26. Review status: criteria provided, single submitter. Criteria: ACMG Guidelines, 2015. Collection method: clinical testing. Allele origin: maternal. Inheritance: Autosomal recessive inheritance. Affected: yes. Observed: 1 heterozygote.
Comment: The deletion of exon 4 is predicted to result in the loss of a significant portion of the coding region of the MYL9 gene. A deletion of this exon has been reported in the homozygous state in 1 individual with MMIHS (PubMed: 29453416). A sibling of this individual was diagnosed clinically with MMIHS; however, was unavailable for genetic testing. A strong gene-disease association has not yet been established (PubMed: 29453416).